The following is an entry in ClinVar:

NM_006648.4(WNK2):c.3386C>T (p.Pro1129Leu)

Gene: WNK2 (WNK lysine deficient protein kinase 2; plus strand). Cytogenetic location: 9q22.31.
Variant type: single nucleotide variant.
Coding change: c.3386C>T on transcript NM_006648.4 (MANE Select); coding-DNA position 3386, C replaced by T.
Protein change: p.Pro1129Leu; replaces proline 1129 with leucine.
Molecular consequence: missense variant.
Genome position (GRCh38, 1-based): chr9:93,262,695, C>T. VCF-style: chr9-93262695-C-T. GRCh37 (hg19) VCF-style: chr9-96024977-C-T.
Other names: c.3386C>T, p.Pro1129Leu (NM_001282394.3); short protein forms P1129L.
Identifiers: ClinVar variation 3470240 (VCV003470240.1).

ClinVar aggregate classification (germline): Uncertain significance (1 of 4 stars; one submission).

Submission:

Ambry Genetics
Classification: Uncertain significance. Last evaluated: 2024-11-21. Review status: criteria provided, single submitter. Criteria: Ambry Variant Classification Scheme 2023. Collection method: clinical testing. Allele origin: germline.
Comment: The p.P1129L variant (also known as c.3386C>T), located in coding exon 13 of the WNK2 gene, results from a C to T substitution at nucleotide position 3386. The proline at codon 1129 is replaced by leucine, an amino acid with similar properties. This amino acid position is conserved. In addition, this alteration is predicted to be tolerated by in silico analysis. Based on the available evidence, the clinical significance of this variant remains unclear.